The following is an entry in ClinVar:

ClinVar aggregate classification (germline): Likely pathogenic (1 of 4 stars; one submission).

Conditions:
Autosomal recessive polycystic kidney disease (ARPKD). Also called: AR polycystic kidney disease. Identifiers: Orphanet 731, Orphanet 8378, MedGen C0085548, MeSH D017044, MONDO:0009889.

Submission:

Labcorp Genetics (formerly Invitae), Labcorp
Classification: Likely pathogenic for Autosomal recessive polycystic kidney disease. Last evaluated: 2023-08-01. Review status: criteria provided, single submitter. Criteria: Invitae Variant Classification Sherloc (09022015). Collection method: clinical testing. Allele origin: germline.
Comment: In summary, the currently available evidence indicates that the variant is pathogenic, but additional data are needed to prove that conclusively. Therefore, this variant has been classified as Likely Pathogenic. This variant disrupts the p.His2655 amino acid residue in PKHD1. Other variant(s) that disrupt this residue have been determined to be pathogenic (PMID: 26673778, 33059616). This suggests that this residue is clinically significant, and that variants that disrupt this residue are likely to be disease-causing. Advanced modeling of protein sequence and biophysical properties (such as structural, functional, and spatial information, amino acid conservation, physicochemical variation, residue mobility, and thermodynamic stability) performed at Invitae indicates that this missense variant is expected to disrupt PKHD1 protein function. This variant has not been reported in the literature in individuals affected with PKHD1-related conditions. This variant is not present in population databases (gnomAD no frequency). This sequence change replaces histidine, which is basic and polar, with asparagine, which is neutral and polar, at codon 2655 of the PKHD1 protein (p.His2655Asn).

Literature cited by the submitters: PubMed 26673778; PubMed 33059616.

NM_138694.4(PKHD1):c.7963C>A (p.His2655Asn)

Gene: PKHD1 (PKHD1 ciliary IPT domain containing fibrocystin/polyductin; minus strand). Cytogenetic location: 6p12.2.
Variant type: single nucleotide variant.
Coding change: c.7963C>A on transcript NM_138694.4 (MANE Select); coding-DNA position 7963, C replaced by A.
Protein change: p.His2655Asn; replaces histidine 2655 with asparagine.
Molecular consequence: missense variant.
Genome position (GRCh38, 1-based): chr6:51,847,919, G>T on the plus strand (C>A on the coding strand, the complement: PKHD1 is on the minus strand). VCF-style: chr6-51847919-G-T. GRCh37 (hg19) VCF-style: chr6-51712717-G-T.
Other names: c.7963C>A, p.His2655Asn (NM_170724.3); short protein forms H2655N.
Identifiers: ClinVar variation 2748970 (VCV002748970.3), dbSNP rs2535688296, ClinGen allele CA364429308.